The following is an entry in ClinVar:

ClinVar aggregate classification (germline): Uncertain significance (1 of 4 stars; one submission).

gnomAD v4.1: 1 of 1,206,737 alleles (0.000083%); highest among the groups gnomAD compares: Non-Finnish European, 0.00011%; no homozygotes.

Submission:

Labcorp Genetics (formerly Invitae), Labcorp
Classification: Uncertain significance. Last evaluated: 2025-09-09. Review status: criteria provided, single submitter. Criteria: Invitae Variant Classification Sherloc (09022015). Collection method: clinical testing. Allele origin: germline.
Comment: This sequence change replaces valine, which is neutral and non-polar, with leucine, which is neutral and non-polar, at codon 1220 of the POLA1 protein (p.Val1220Leu). This variant is not present in population databases (gnomAD no frequency). This variant has not been reported in the literature in individuals affected with POLA1-related conditions. Invitae Evidence Modeling of protein sequence and biophysical properties (such as structural, functional, and spatial information, amino acid conservation, physicochemical variation, residue mobility, and thermodynamic stability) has been performed for this missense variant. However, the output from this modeling did not meet the statistical confidence thresholds required to predict the impact of this variant on POLA1 protein function. In summary, the available evidence is currently insufficient to determine the role of this variant in disease. Therefore, it has been classified as a Variant of Uncertain Significance.

NM_001330360.2(POLA1):c.3676G>T (p.Val1226Leu)

Gene: POLA1 (DNA polymerase alpha 1, catalytic subunit; plus strand). Cytogenetic location: Xp22.11.
Variant type: single nucleotide variant.
Coding change: c.3676G>T on transcript NM_001330360.2 (MANE Select); coding-DNA position 3676, G replaced by T.
Protein change: p.Val1226Leu; replaces valine 1226 with leucine.
Molecular consequence: missense variant. On other transcripts: non-coding transcript variant (2).
Genome position (GRCh38, 1-based): chrX:24,826,541, G>T. VCF-style: chrX-24826541-G-T. GRCh37 (hg19) VCF-style: chrX-24844658-G-T.
Other names: c.3601G>T, p.Val1201Leu (NM_001378303.1); c.3676G>T, p.Val1226Leu (NM_001440806.1); c.3658G>T, p.Val1220Leu (NM_016937.4); short protein forms V1201L, V1220L, V1226L.
Identifiers: ClinVar variation 4745403 (VCV004745403.1).
Genomic context (GRCh38, chrX:24,826,541, plus strand): 5'-AAACAGGATAATCTAACCATTGACACCCAGTACTACCTGGCCCAGCAGATCCACCCAGTC[G>T]TGGCTCGGATCTGTGAACCAATAGACGGAATTGATGCTGTCCTCATTGCAACGTGGTTGG-3'
Protein context (NP_001317289.1, residues 1216-1236): YYLAQQIHPV[Val1226Leu]ARICEPIDGI